The following is an entry in ClinVar:

ClinVar aggregate classification (germline): Uncertain significance. Review status: criteria provided, multiple submitters, no conflicts (2 of 4 stars). 3 submissions from 3 submitters: Uncertain significance (2). 1 of the submissions does not count toward it. Last evaluated 2024-12-16.

Conditions:
Hereditary cancer-predisposing syndrome. Also called: Tumor predisposition; Hereditary neoplastic syndrome; Neoplastic Syndromes, Hereditary; Hereditary Cancer Syndrome. Identifiers: Orphanet 140162, MedGen C0027672, MeSH D009386, MONDO:0015356.
Bloom syndrome (BLM). Also called: Bloom-Torre-Machacek syndrome. Identifiers: Orphanet 125, MedGen C0005859, MONDO:0008876, OMIM 210900.

gnomAD v4.1: 1 of 1,614,096 alleles (0.000062%); highest among the groups gnomAD compares: Non-Finnish European, 0.000085%; no homozygotes.

Submissions (3):

Labcorp Genetics (formerly Invitae), Labcorp
Classification: Uncertain significance for Bloom syndrome. Last evaluated: 2024-12-16. Review status: criteria provided, single submitter. Criteria: Invitae Variant Classification Sherloc (09022015). Collection method: clinical testing. Allele origin: germline.
Comment: This sequence change replaces alanine, which is neutral and non-polar, with proline, which is neutral and non-polar, at codon 1357 of the BLM protein (p.Ala1357Pro). This variant is not present in population databases (gnomAD no frequency). This variant has not been reported in the literature in individuals affected with BLM-related conditions. ClinVar contains an entry for this variant (Variation ID: 133704). Invitae Evidence Modeling of protein sequence and biophysical properties (such as structural, functional, and spatial information, amino acid conservation, physicochemical variation, residue mobility, and thermodynamic stability) indicates that this missense variant is not expected to disrupt BLM protein function with a negative predictive value of 80%. In summary, the available evidence is currently insufficient to determine the role of this variant in disease. Therefore, it has been classified as a Variant of Uncertain Significance.

Ambry Genetics
Classification: Uncertain significance for Hereditary cancer-predisposing syndrome. Last evaluated: 2024-10-11. Review status: criteria provided, single submitter. Criteria: Ambry Variant Classification Scheme 2023. Collection method: clinical testing. Allele origin: germline.
Comment: The p.A1357P variant (also known as c.4069G>C), located in coding exon 20 of the BLM gene, results from a G to C substitution at nucleotide position 4069. The alanine at codon 1357 is replaced by proline, an amino acid with highly similar properties. This amino acid position is conserved. In addition, this alteration is predicted to be tolerated by in silico analysis. Based on the available evidence, the clinical significance of this variant remains unclear.

ITMI
No classification provided. Condition: AllHighlyPenetrant. Last evaluated: 2013-09-19. Review status: no classification provided. Collection method: reference population. Allele origin: germline. Not counted in ClinVar's aggregate classification.
Comment: Please see associated publication for description of ethnicities

Literature cited by the submitters: PubMed 24728327 (cited by ITMI).

NM_000057.4(BLM):c.4069G>C (p.Ala1357Pro)

Gene: BLM (BLM RecQ like helicase; plus strand). Cytogenetic location: 15q26.1.
Variant type: single nucleotide variant.
Coding change: c.4069G>C on transcript NM_000057.4 (MANE Select); coding-DNA position 4069, G replaced by C.
Protein change: p.Ala1357Pro; replaces alanine 1357 with proline.
Molecular consequence: missense variant.
Genome position (GRCh38, 1-based): chr15:90,811,399, G>C. VCF-style: chr15-90811399-G-C. GRCh37 (hg19) VCF-style: chr15-91354629-G-C.
Other names: c.4069G>C, p.Ala1357Pro (NM_001287246.2); c.3676G>C, p.Ala1226Pro (NM_001287247.2); c.2944G>C, p.Ala982Pro (NM_001287248.2); c.4069G>C (NM_000057.2); short protein forms A1357P, A1226P, A982P.
Identifiers: ClinVar variation 133704 (VCV000133704.7), dbSNP rs587778103, ClinGen allele CA157403.